The following is an entry in ClinVar:

NM_018026.4(PACS1):c.1264G>C (p.Gly422Arg)

Gene: PACS1 (phosphofurin acidic cluster sorting protein 1; plus strand). Cytogenetic location: 11q13.2.
Variant type: single nucleotide variant.
Coding change: c.1264G>C on transcript NM_018026.4 (MANE Select); coding-DNA position 1264, G replaced by C.
Protein change: p.Gly422Arg; replaces glycine 422 with arginine.
Molecular consequence: missense variant.
Genome position (GRCh38, 1-based): chr11:66,221,218, G>C. VCF-style: chr11-66221218-G-C. GRCh37 (hg19) VCF-style: chr11-65988689-G-C.
Other names: short protein forms G422R.
Identifiers: ClinVar variation 4819564 (VCV004819564.1).

ClinVar aggregate classification (germline): Likely benign (1 of 4 stars; one submission).

Conditions:
Schuurs-Hoeijmakers syndrome. Also called: PACS1-Related Neurodevelopmental Disorder. Identifiers: Orphanet 329224, MedGen C3554343, MONDO:0014006, OMIM 615009.

Submission:

Centre for Medical Genetics,  Mumbai
Classification: Likely benign for Schuurs-Hoeijmakers syndrome. Last evaluated: 2026-03-16. Review status: criteria provided, single submitter. Criteria: ACMG Guidelines, 2015. Collection method: provider interpretation. Allele origin: germline. Inheritance: Autosomal dominant inheritance. Affected: no. Observed: 1 variant allele, 1 heterozygote.
Comment: The variant satisfies PM2 criteria; Extremely low frequency in gnomAD population databases. The variant satisfies PP2 criteria; Missense variant in a gene with low rate of benign missense mutations and for which missense mutation is a common mechanism of a disease. The variant satisfies BP4 criteria; For a missense or a splice region variant, computational prediction tools unanimously support a benign effect on the gene. However, the variant satisfies BS2 criteria.

Literature cited by the submitters: PubMed 23159249.